The following is an entry in ClinVar:

ClinVar aggregate classification (germline): Uncertain significance. Review status: criteria provided, multiple submitters, no conflicts (2 of 4 stars). 2 submissions from 2 submitters: Uncertain significance (2). Last evaluated 2025-12-04.

Conditions:
VPS13B-related disorder. Also called: VPS13B-related condition.
Inborn genetic diseases. Identifiers: MedGen C0950123, MeSH D030342.

gnomAD v4.1: 10 of 1,613,810 alleles (0.00062%); highest among the groups gnomAD compares: Non-Finnish European, 0.00085%; no homozygotes.

Submissions (2):

Ambry Genetics
Classification: Uncertain significance for Inborn genetic diseases. Last evaluated: 2025-12-04. Review status: criteria provided, single submitter. Criteria: Ambry Variant Classification Scheme 2023. Collection method: clinical testing. Allele origin: germline.

PreventionGenetics, part of Exact Sciences
Classification: Uncertain significance for VPS13B-related condition. Last evaluated: 2025-09-23. Review status: criteria provided, single submitter. Criteria: ACMG Guidelines, 2015. Collection method: clinical testing. Allele origin: germline.
Comment: The VPS13B c.7082T>C variant is predicted to result in the amino acid substitution p.Leu2361Pro. To our knowledge, this variant has not been reported in the literature or in a large population database (gnomAD), indicating this variant is rare. At this time, the clinical significance of this variant is uncertain due to the absence of conclusive functional and genetic evidence.

NM_152564.5(VPS13B):c.7082T>C (p.Leu2361Pro)

Gene: VPS13B (vacuolar protein sorting 13 homolog B; plus strand). Cytogenetic location: 8q22.2.
Variant type: single nucleotide variant.
Coding change: c.7082T>C on transcript NM_152564.5 (MANE Select); coding-DNA position 7082, T replaced by C.
Protein change: p.Leu2361Pro; replaces leucine 2361 with proline.
Molecular consequence: missense variant.
Genome position (GRCh38, 1-based): chr8:99,766,805, T>C. VCF-style: chr8-99766805-T-C. GRCh37 (hg19) VCF-style: chr8-100779033-T-C.
Other names: c.7157T>C, p.Leu2386Pro (NM_017890.5); short protein forms L2361P, L2386P.
Identifiers: ClinVar variation 4634422 (VCV004634422.2).